The following is an entry in ClinVar:

NM_001943.5(DSG2):c.3083G>C (p.Gly1028Ala)

Genes: DSG2 (desmoglein 2; plus strand), DSG2-AS1 (DSG2 antisense RNA 1; minus strand). Cytogenetic location: 18q12.1.
Variant type: single nucleotide variant.
Coding change: c.3083G>C on transcript NM_001943.5 (MANE Select); coding-DNA position 3083, G replaced by C.
Protein change: p.Gly1028Ala; replaces glycine 1028 with alanine.
Molecular consequence: missense variant.
Genome position (GRCh38, 1-based): chr18:31,546,469, G>C. VCF-style: chr18-31546469-G-C. GRCh37 (hg19) VCF-style: chr18-29126432-G-C.
Other names: short protein forms G1028A.
Identifiers: ClinVar variation 4757694 (VCV004757694.1).

ClinVar aggregate classification (germline): Uncertain significance (1 of 4 stars; one submission).

Conditions:
Cardiomyopathy (CMYO). Also called: Cardiomyopathies. Identifiers: Orphanet 167848, MedGen C0878544, MONDO:0004994, HP:0001638. Inheritance: Various modes of inheritance.

Submission:

Color Diagnostics, LLC DBA Color Health
Classification: Uncertain significance for Cardiomyopathy. Last evaluated: 2025-07-17. Review status: criteria provided, single submitter. Criteria: ACMG Guidelines, 2015. Collection method: clinical testing. Allele origin: germline.
Comment: This missense variant replaces glycine with alanine at codon 1028 of the DSG2 protein. Computational prediction suggests that this variant may not impact protein structure and function. To our knowledge, functional studies have not been reported for this variant. This variant has not been reported in individuals affected with DSG2-related disorders in the literature. This variant has not been identified in the general population by the Genome Aggregation Database (gnomAD). The available evidence is insufficient to determine the role of this variant in disease conclusively. Therefore, this variant is classified as a Variant of Uncertain Significance.